The following is an entry in ClinVar:

NM_001286577.2(C2CD3):c.2914C>G (p.Leu972Val)

Gene: C2CD3 (C2 domain containing 3 centriole elongation regulator; minus strand). Cytogenetic location: 11q13.4.
Variant type: single nucleotide variant.
Coding change: c.2914C>G on transcript NM_001286577.2 (MANE Select); coding-DNA position 2914, C replaced by G.
Protein change: p.Leu972Val; replaces leucine 972 with valine.
Molecular consequence: missense variant.
Genome position (GRCh38, 1-based): chr11:74,098,074, G>C on the plus strand (C>G on the coding strand, the complement: C2CD3 is on the minus strand). VCF-style: chr11-74098074-G-C. GRCh37 (hg19) VCF-style: chr11-73809119-G-C.
Other names: c.2914C>G, p.Leu972Val (NM_015531.6); short protein forms L972V.
Identifiers: ClinVar variation 1998816 (VCV001998816.4), dbSNP rs1247645589, ClinGen allele CA381829435.

ClinVar aggregate classification (germline): Uncertain significance (1 of 4 stars; one submission).

Submission:

Labcorp Genetics (formerly Invitae), Labcorp
Classification: Uncertain significance. Last evaluated: 2023-04-24. Review status: criteria provided, single submitter. Criteria: Invitae Variant Classification Sherloc (09022015). Collection method: clinical testing. Allele origin: germline.
Comment: In summary, the available evidence is currently insufficient to determine the role of this variant in disease. Therefore, it has been classified as a Variant of Uncertain Significance. Advanced modeling of protein sequence and biophysical properties (such as structural, functional, and spatial information, amino acid conservation, physicochemical variation, residue mobility, and thermodynamic stability) performed at Invitae indicates that this missense variant is not expected to disrupt C2CD3 protein function. ClinVar contains an entry for this variant (Variation ID: 1998816). This variant has not been reported in the literature in individuals affected with C2CD3-related conditions. This variant is not present in population databases (gnomAD no frequency). This sequence change replaces leucine, which is neutral and non-polar, with valine, which is neutral and non-polar, at codon 972 of the C2CD3 protein (p.Leu972Val).